The following is an entry in ClinVar:

ClinVar aggregate classification (germline): Uncertain significance (1 of 4 stars; one submission).

Submission:

Labcorp Genetics (formerly Invitae), Labcorp
Classification: Uncertain significance. Last evaluated: 2022-06-10. Review status: criteria provided, single submitter. Criteria: Invitae Variant Classification Sherloc (09022015). Collection method: clinical testing. Allele origin: germline.
Comment: In summary, the available evidence is currently insufficient to determine the role of this variant in disease. Therefore, it has been classified as a Variant of Uncertain Significance. Algorithms developed to predict the effect of missense changes on protein structure and function (SIFT, PolyPhen-2, Align-GVGD) all suggest that this variant is likely to be disruptive. This variant has not been reported in the literature in individuals affected with MME-related conditions. This variant is not present in population databases (gnomAD no frequency). This sequence change replaces serine, which is neutral and polar, with cysteine, which is neutral and slightly polar, at codon 228 of the MME protein (p.Ser228Cys).

NM_007289.4(MME):c.683C>G (p.Ser228Cys)

Gene: MME (membrane metalloendopeptidase; plus strand). Cytogenetic location: 3q25.2.
Variant type: single nucleotide variant.
Coding change: c.683C>G on transcript NM_007289.4 (MANE Select); coding-DNA position 683, C replaced by G.
Protein change: p.Ser228Cys; replaces serine 228 with cysteine.
Molecular consequence: missense variant.
Genome position (GRCh38, 1-based): chr3:155,118,774, C>G. VCF-style: chr3-155118774-C-G. GRCh37 (hg19) VCF-style: chr3-154836563-C-G.
Other names: c.683C>G, p.Ser228Cys (NM_000902.5, NM_001354642.2, NM_001354643.1 and 2 more transcripts); short protein forms S228C.
Identifiers: ClinVar variation 2083523 (VCV002083523.4), dbSNP rs748435975, ClinGen allele CA2675240.